The following is an entry in ClinVar:

NM_006531.5(IFT88):c.479A>C (p.Asp160Ala)

Gene: IFT88 (intraflagellar transport 88; plus strand). Cytogenetic location: 13q12.11.
Variant type: single nucleotide variant.
Coding change: c.479A>C on transcript NM_006531.5 (MANE Select); coding-DNA position 479, A replaced by C.
Protein change: p.Asp160Ala; replaces aspartic acid 160 with alanine.
Molecular consequence: missense variant. On other transcripts: 5 prime UTR variant (1), non-coding transcript variant (5).
Genome position (GRCh38, 1-based): chr13:20,596,230, A>C. VCF-style: chr13-20596230-A-C. GRCh37 (hg19) VCF-style: chr13-21170369-A-C.
Other names: c.422A>C, p.Asp141Ala (NM_001318491.2, NM_001353573.2, NM_001353574.2 and 1 more transcripts); c.506A>C, p.Asp169Ala (NM_001318493.2, NM_001353565.2, NM_001353566.2 and 6 more transcripts); c.479A>C, p.Asp160Ala (NM_001353568.2, NM_001353571.2, NM_001353572.2 and 1 more transcripts); c.-155A>C (NM_001353579.2); short protein forms D160A, D169A, D141A.
Identifiers: ClinVar variation 2864944 (VCV002864944.3), dbSNP rs1458276396, ClinGen allele CA387472560.

ClinVar aggregate classification (germline): Uncertain significance (1 of 4 stars; one submission).

gnomAD v4.1: 1 of 1,493,416 alleles (0.000067%); highest among the groups gnomAD compares: African/African-American, 0.0014%; no homozygotes.

Submission:

Labcorp Genetics (formerly Invitae), Labcorp
Classification: Uncertain significance. Last evaluated: 2023-05-16. Review status: criteria provided, single submitter. Criteria: Invitae Variant Classification Sherloc (09022015). Collection method: clinical testing. Allele origin: germline.
Comment: In summary, the available evidence is currently insufficient to determine the role of this variant in disease. Therefore, it has been classified as a Variant of Uncertain Significance. An algorithm developed to predict the effect of missense changes on protein structure and function (PolyPhen-2) suggests that this variant is likely to be tolerated. This variant has not been reported in the literature in individuals affected with IFT88-related conditions. This variant is present in population databases (no rsID available, gnomAD 0.008%). This sequence change replaces aspartic acid, which is acidic and polar, with alanine, which is neutral and non-polar, at codon 169 of the IFT88 protein (p.Asp169Ala).